The following is an entry in ClinVar:

ClinVar aggregate classification (germline): Uncertain significance (1 of 4 stars; one submission).

gnomAD v4.1: 2 of 1,614,144 alleles (0.00012%); highest among the groups gnomAD compares: Non-Finnish European, 0.00017%; no homozygotes.

Submission:

Labcorp Genetics (formerly Invitae), Labcorp
Classification: Uncertain significance. Last evaluated: 2021-12-15. Review status: criteria provided, single submitter. Criteria: Invitae Variant Classification Sherloc (09022015). Collection method: clinical testing. Allele origin: germline.
Comment: In summary, the available evidence is currently insufficient to determine the role of this variant in disease. Therefore, it has been classified as a Variant of Uncertain Significance. Algorithms developed to predict the effect of missense changes on protein structure and function (SIFT, PolyPhen-2, Align-GVGD) all suggest that this variant is likely to be tolerated. This variant has not been reported in the literature in individuals affected with LIG1-related conditions. This variant is not present in population databases (gnomAD no frequency). This sequence change replaces threonine, which is neutral and polar, with lysine, which is basic and polar, at codon 197 of the LIG1 protein (p.Thr197Lys).

NM_000234.3(LIG1):c.590C>A (p.Thr197Lys)

Gene: LIG1 (DNA ligase 1; minus strand). Cytogenetic location: 19q13.33.
Variant type: single nucleotide variant.
Coding change: c.590C>A on transcript NM_000234.3 (MANE Select); coding-DNA position 590, C replaced by A.
Protein change: p.Thr197Lys; replaces threonine 197 with lysine.
Molecular consequence: missense variant. On other transcripts: non-coding transcript variant (6).
Genome position (GRCh38, 1-based): chr19:48,150,195, G>T on the plus strand (C>A on the coding strand, the complement: LIG1 is on the minus strand). VCF-style: chr19-48150195-G-T. GRCh37 (hg19) VCF-style: chr19-48653452-G-T.
Other names: c.497C>A, p.Thr166Lys (NM_001289063.2); c.386C>A, p.Thr129Lys (NM_001289064.2); c.587C>A, p.Thr196Lys (NM_001320970.2); c.500C>A, p.Thr167Lys (NM_001320971.2); short protein forms T129K, T167K, T197K, T166K, T196K.
Identifiers: ClinVar variation 2031638 (VCV002031638.4), dbSNP rs373413673, ClinGen allele CA406655251.